The following is an entry in ClinVar:

ClinVar aggregate classification (germline): Uncertain significance. Review status: criteria provided, multiple submitters, no conflicts (2 of 4 stars). 2 submissions from 2 submitters: Uncertain significance (2). Last evaluated 2026-05-17.

Conditions:
Brugada syndrome. Also called: Sudden unexplained nocturnal death syndrome; Sudden Unexplained Death Syndrome; Sudden Unexplained Nocturnal Death Syndrome (SUNDS); Sudden unexpected nocturnal death syndrome. Identifiers: Orphanet 130, MedGen C1142166, MONDO:0015263.
Cardiovascular phenotype. Identifiers: MedGen CN230736.

Allele frequency attached by ClinVar (database versions not stated): ExAC 0.00001; gnomAD exomes below 0.00001.
gnomAD v4.1: 1 of 1,614,184 alleles (0.000062%); highest among the groups gnomAD compares: South Asian, 0.0011%; no homozygotes.

Submissions (2):

Ambry Genetics
Classification: Uncertain significance for Cardiovascular phenotype. Last evaluated: 2026-05-17. Review status: criteria provided, single submitter. Criteria: Ambry Variant Classification Scheme 2023. Collection method: clinical testing. Allele origin: germline.
Comment: The p.N1902T variant (also known as c.5705A>C), located in coding exon 27 of the SCN10A gene, results from an A to C substitution at nucleotide position 5705. The asparagine at codon 1902 is replaced by threonine, an amino acid with similar properties. This amino acid position is conserved. In addition, this alteration is predicted to be tolerated by in silico analysis. Based on the available evidence, the clinical significance of this variant remains unclear.

Labcorp Genetics (formerly Invitae), Labcorp
Classification: Uncertain significance for Brugada syndrome. Last evaluated: 2022-09-06. Review status: criteria provided, single submitter. Criteria: Invitae Variant Classification Sherloc (09022015). Collection method: clinical testing. Allele origin: germline.
Comment: In summary, the available evidence is currently insufficient to determine the role of this variant in disease. Therefore, it has been classified as a Variant of Uncertain Significance. Advanced modeling of protein sequence and biophysical properties (such as structural, functional, and spatial information, amino acid conservation, physicochemical variation, residue mobility, and thermodynamic stability) performed at Invitae indicates that this missense variant is not expected to disrupt SCN10A protein function. ClinVar contains an entry for this variant (Variation ID: 240682). This variant has not been reported in the literature in individuals affected with SCN10A-related conditions. This variant is present in population databases (rs756547221, gnomAD 0.003%). This sequence change replaces asparagine, which is neutral and polar, with threonine, which is neutral and polar, at codon 1902 of the SCN10A protein (p.Asn1902Thr).

NM_006514.4(SCN10A):c.5705A>C (p.Asn1902Thr)

Gene: SCN10A (sodium voltage-gated channel alpha subunit 10; minus strand). Cytogenetic location: 3p22.2.
Variant type: single nucleotide variant.
Coding change: c.5705A>C on transcript NM_006514.4 (MANE Select); coding-DNA position 5705, A replaced by C.
Protein change: p.Asn1902Thr; replaces asparagine 1902 with threonine.
Molecular consequence: missense variant.
Genome position (GRCh38, 1-based): chr3:38,697,515, T>G on the plus strand (A>C on the coding strand, the complement: SCN10A is on the minus strand). VCF-style: chr3-38697515-T-G. GRCh37 (hg19) VCF-style: chr3-38739006-T-G.
Other names: c.5702A>C, p.Asn1901Thr (NM_001293306.2); c.5411A>C, p.Asn1804Thr (NM_001293307.2); short protein forms N1902T, N1804T, N1901T.
Identifiers: ClinVar variation 240682 (VCV000240682.6), dbSNP rs756547221, ClinGen allele CA2319618.